The following is an entry in ClinVar:

NM_001281956.2(CSMD2):c.6543C>T (p.Gly2181=)

Gene: CSMD2 (CUB and Sushi multiple domains 2; minus strand). Cytogenetic location: 1p35.1.
Variant type: single nucleotide variant.
Coding change: c.6543C>T on transcript NM_001281956.2 (MANE Select); coding-DNA position 6543, C replaced by T.
Protein change: p.Gly2181=; no amino-acid change (glycine 2181 retained).
Molecular consequence: synonymous variant.
Genome position (GRCh38, 1-based): chr1:33,602,536, G>A on the plus strand (C>T on the coding strand, the complement: CSMD2 is on the minus strand). VCF-style: chr1-33602536-G-A. GRCh37 (hg19) VCF-style: chr1-34068136-G-A.
Other names: NC_000001.10:g.34068136G>A; c.6549C>T, p.Gly2183= (NM_052896.5).
Identifiers: ClinVar variation 2638627 (VCV002638627.25), dbSNP rs143860895, ClinGen allele CA751554.

ClinVar aggregate classification (germline): Likely benign (1 of 4 stars; one submission).

Allele frequency attached by ClinVar (database versions not stated): 1000 Genomes Project 0.00120; 1000 Genomes Project 30x 0.00125; TOPMed 0.00273; ESP Exome Variant Server 0.00308; gnomAD 0.00448; ExAC 0.00620.
gnomAD v4.1: 6,070 of 1,599,124 alleles (0.38%); highest among the groups gnomAD compares: Middle Eastern, 0.65%; 31 homozygotes.

Submissions (9):

CeGaT Center for Human Genetics Tuebingen
Classification: Likely benign. Last evaluated: 2022-12-01. Review status: criteria provided, single submitter. Criteria: CeGaT Center For Human Genetics Tuebingen Variant Classification Criteria Version 2. Collection method: clinical testing. Allele origin: germline. Affected: yes. Observed: 1 variant allele.
Comment: CSMD2: BP4, BP7, BS2

Dr. Peter K. Rogan Lab, Western University
No classification provided (evidence only). Condition: Uterine carcinosarcoma. Review status: no classification provided. Collection method: in vitro. Allele origin: not applicable. Functional consequence: skipped exon. Not counted in ClinVar's aggregate classification.

Dr. Peter K. Rogan Lab, Western University
No classification provided (evidence only). Condition: Clear cell carcinoma of kidney. Review status: no classification provided. Collection method: in vitro. Allele origin: not applicable. Functional consequence: retained intron. Not counted in ClinVar's aggregate classification.

Dr. Peter K. Rogan Lab, Western University
No classification provided (evidence only). Condition: Familial cancer of breast. Review status: no classification provided. Collection method: in vitro. Allele origin: not applicable. Functional consequence: retained intron. Not counted in ClinVar's aggregate classification.

Dr. Peter K. Rogan Lab, Western University
No classification provided (evidence only). Condition: Colon adenocarcinoma. Review status: no classification provided. Collection method: in vitro. Allele origin: not applicable. Functional consequence: retained intron. Not counted in ClinVar's aggregate classification.

Dr. Peter K. Rogan Lab, Western University
No classification provided (evidence only). Condition: Colorectal cancer. Review status: no classification provided. Collection method: in vitro. Allele origin: not applicable. Functional consequence: retained intron. Not counted in ClinVar's aggregate classification.

Dr. Peter K. Rogan Lab, Western University
No classification provided (evidence only). Condition: Ovarian serous cystadenocarcinoma. Review status: no classification provided. Collection method: in vitro. Allele origin: not applicable. Functional consequence: retained intron. Not counted in ClinVar's aggregate classification.

Dr. Peter K. Rogan Lab, Western University
No classification provided (evidence only). Condition: Ovarian serous cystadenocarcinoma. Review status: no classification provided. Collection method: in vitro. Allele origin: not applicable. Functional consequence: retained intron. Not counted in ClinVar's aggregate classification.

Dr. Peter K. Rogan Lab, Western University
No classification provided (evidence only). Condition: Gastric cancer. Review status: no classification provided. Collection method: in vitro. Allele origin: not applicable. Functional consequence: retained intron. Not counted in ClinVar's aggregate classification.